The following continues an entry in ClinVar:

NM_000492.4(CFTR):c.2936A>C (p.Asp979Ala)

ClinVar aggregate classification (germline): Conflicting classifications of pathogenicity. Pathogenic (5); Likely pathogenic (5); Uncertain significance (2).

Submissions 7 to 14 of 14:

Women's Health and Genetics/Laboratory Corporation of America, LabCorp
Classification: Pathogenic for Congenital bilateral aplasia of vas deferens from CFTR mutation. Last evaluated: 2025-06-12. Review status: criteria provided, single submitter. Criteria: LabCorp Variant Classification Summary - May 2015. Collection method: clinical testing. Allele origin: germline.
Comment: Variant summary: CFTR c.2936A>C (p.Asp979Ala) results in a non-conservative amino acid change located in the ABC transporter type 1, transmembrane domain (IPR011527) of the encoded protein sequence. Algorithms developed to predict the effect of missense changes on protein structure and function all suggest that this variant is likely to be disruptive. The variant allele was found at a frequency of 3.5e-05 in 253874 control chromosomes (gnomAD and publications). c.2936A>C has been observed in multiple individuals affected with Congenital Bilateral Absence Of The Vas Deferens (CBAVD) who carry the variant in trans with the pathogenic 5T allele (e.g. Dork_1997, Mak_1999, Luo_2021). It has also been reported in the compound heterozygous state together with a pathogenic variant in at least two individuals with clinical features of CF, one with a classic CF diagnosis and the other with intermediate sweat chloride levels (e.g. Shen_2022, Zhou_2025). In addition, the variant was found in two twin siblings with CF who carried another pathogenic mutation (p.R347H) in cis and the common disease variant p.F508del on the other allele (Hojo_1998). It was speculated that the p.D979A variant contributes to a more severe disease phenotype in these individuals. Publications reporting experimental evidence evaluating an impact on protein function indicate that the variant results in a partial reduction of CFTR processing, moderate effects on chloride channel dynamics and has approximately 12% of normal chloride channel conductance relative to wild type (e.g. Clain_2001, Bihler_2024). The following publications have been ascertained in the context of this evaluation (PMID: 38388235, 15744523, 11118444, 9272157, 21483833, 15121783, 20932301, 9550362, 15537723, 19166122, 32777524, 10376575, 15084988, 24697796, 12940920, 35858753, 16840743, 39773272, 30420730). ClinVar contains an entry for this variant (Variation ID: 53602). Based on the evidence outlined above, the variant was classified as pathogenic.

Johns Hopkins Genomics, Johns Hopkins University
Classification: Likely pathogenic for Cystic fibrosis. Last evaluated: 2024-12-17. Review status: criteria provided, single submitter. Criteria: ACMG Guidelines, 2015. Collection method: clinical testing. Allele origin: germline.
Comment: This CFTR missense variant has been identified in individuals with features of cystic fibrosis, including multiple who carry a second CF-causing variant. It (rs397508462) is rare (<0.1%) in a large population dataset (gnomADv4.1.0: 14/1591906 total alleles; 0.0009%; no homozygotes) and has been reported in ClinVar (Variation ID: 53602). A single functional study demonstrates that this variant decreases CFTR function (12.15% of wild type), although not to the level observed for CF-causing variants (<10% wild type function). We consider CFTR c.2936A>C to be likely pathogenic, associated with varying clinical consequence.

Baylor Genetics
Classification: Likely pathogenic for Bronchiectasis with or without elevated sweat chloride 1. Last evaluated: 2024-03-28. Review status: criteria provided, single submitter. Criteria: ACMG Guidelines, 2015. Collection method: clinical testing. Allele origin: unknown.

GeneDx
Classification: Uncertain significance. Last evaluated: 2024-01-30. Review status: criteria provided, single submitter. Criteria: GeneDx Variant Classification Process June 2021. Collection method: clinical testing. Allele origin: germline. Affected: yes.
Comment: In silico analysis supports that this missense variant has a deleterious effect on protein structure/function; This variant is associated with the following publications: (PMID: 15084988, 35119551, 21483833, 32777524, 30420730, 9272157, 32020786, 9493456, 34782259, 29997923, 32429104, 35858753, 26708955, 9550362, 22504961, 23820649, 9401110, 16840743, 12940920, 10376575, 20932301, 35313924, Bihler2023[Pre-print], 11118444)

ARUP Laboratories, Molecular Genetics and Genomics, ARUP Laboratories
Classification: Uncertain significance. Last evaluated: 2020-02-05. Review status: criteria provided, single submitter. Criteria: ARUP Molecular Germline Variant Investigation Process. Collection method: clinical testing. Allele origin: germline.
Comment: The CFTR c.2936A>C; p.Asp979Ala variant (rs397508462) is reported in the literature in individuals affected with congenital absence of vas deferens who carry a mildly pathogenic variant in CFTR (Dork 1997, Mak 1999, Wilschanski 2006), but is also reported in individuals with pancreatitis who carry variants in other pancreatitis-associated genes (Zou 2018), and in a pair of twins with cystic fibrosis who carry two pathogenic CFTR variants on opposite chromosomes (Hojo 1997). Functional assays show that the p.Asp979Ala variant result in a mild defect (Clain 2001). The p.Asp979Ala variant is reported in the ClinVar database (Variation ID: 53602), and is found in the East Asian population with an allele frequency of 0.05% (9/18394 alleles) in the Genome Aggregation Database. The asparagine at codon 979 is highly conserved, and computational analyses (SIFT, PolyPhen-2) predict that this variant is deleterious. A different variant at this codon, p.Asp979Val, is reported as a CF-causing variant in the CFTR2 database (see CFTR2 database link). While the p.Asp979Ala variant is not predicted to cause classic cystic fibrosis, based on available information, the clinical significance is uncertain for CFTR-related disorders. References: CFTR2 database: Clain J et al. Two mild cystic fibrosis-associated mutations result in severe cystic fibrosis when combined in cis and reveal a residue important for cystic fibrosis transmembrane conductance regulator processing and function. J Biol Chem. 2001 Mar 23;276(12):9045-9. Dork T et al. Distinct spectrum of CFTR gene mutations in congenital absence of vas deferens. Hum Genet. 1997 Sep;100(3-4):365-77. Hojo S et al. (Two cases of cystic fibrosis in Japanese/German twins). Nihon Kyobu Shikkan Gakkai Zasshi. 1997 Nov;35(11):1259-64. Mak V et al. Proportion of cystic fibrosis gene mutations not detected by routine testing in men with obstructive azoospermia. JAMA. 1999 Jun 16;281(23):2217-24. Wilschanski M et al. Mutations in the cystic fibrosis transmembrane regulator gene and in vivo transepithelial potentials. Am J Respir Crit Care Med. 2006 Oct 1;174(7):787-94. Zou WB et al. SPINK1, PRSS1, CTRC, and CFTR Genotypes Influence Disease Onset and Clinical Outcomes in Chronic Pancreatitis. Clin Transl Gastroenterol. 2018 Nov 12;9(11):204.

Juno Genomics, Hangzhou Juno Genomics, Inc
Classification: Pathogenic for Bronchiectasis with or without elevated sweat chloride 1; Cystic fibrosis; Hereditary pancreatitis; Congenital bilateral aplasia of vas deferens from CFTR mutation. Review status: criteria provided, single submitter. Criteria: ACMG Guidelines, 2015. Collection method: clinical testing. Allele origin: germline.
Comment: Absent from controls (or at extremely low frequency if recessive) in Genome Aggregation Database.;Well-established in vitro or in vivo functional studies supportive of a damaging effect on the gene or gene product.;For recessive disorders, detected in trans with a pathogenic variant.;Patient's phenotype or family history is highly specific for a disease with a single genetic etiology.;Novel missense change at an amino acid residue where a different missense change determined to be pathogenic has been seen before.

Counsyl
Classification: Uncertain significance for Cystic fibrosis. Last evaluated: 2018-05-18. Review status: no assertion criteria provided. Collection method: clinical testing. Allele origin: unknown. Not counted in ClinVar's aggregate classification.

ClinVar Staff, National Center for Biotechnology Information (NCBI)
No classification provided. Condition: CFTR-related disorders. Review status: no classification provided. Collection method: literature only. Allele origin: germline. Affected: yes. Not counted in ClinVar's aggregate classification.

Literature cited by the submitters: PubMed 9272157 (cited by 7 submitters); PubMed 9493456 (cited by Labcorp Genetics (formerly Invitae), Labcorp and Ambry Genetics); PubMed 10376575 (cited by 4 submitters); PubMed 32020786 (cited by Labcorp Genetics (formerly Invitae), Labcorp and Otogenetics); PubMed 34782259 (cited by Labcorp Genetics (formerly Invitae), Labcorp); PubMed 35858753 (cited by 4 submitters); PubMed 11118444 (cited by 6 submitters); PubMed 9401110 (cited by Labcorp Genetics (formerly Invitae), Labcorp and 3billion); PubMed 29805046 (cited by Labcorp Genetics (formerly Invitae), Labcorp); PubMed 30046002 (cited by Otogenetics); PubMed 38802912 (cited by Otogenetics); PubMed 38388235 (cited by 4 submitters); PubMed 10790220 (cited by Ambry Genetics); PubMed 12940920 (cited by Ambry Genetics and Women's Health and Genetics/Laboratory Corporation of America, LabCorp); PubMed 15537723 (cited by Ambry Genetics and Women's Health and Genetics/Laboratory Corporation of America, LabCorp); PubMed 21483833 (cited by Ambry Genetics and Women's Health and Genetics/Laboratory Corporation of America, LabCorp); PubMed 23820649 (cited by Ambry Genetics); PubMed 26277102 (cited by Ambry Genetics); PubMed 15121783 (cited by Women's Health and Genetics/Laboratory Corporation of America, LabCorp); PubMed 9550362 (cited by Women's Health and Genetics/Laboratory Corporation of America, LabCorp and Counsyl); PubMed 16840743 (cited by Women's Health and Genetics/Laboratory Corporation of America, LabCorp and ClinVar Staff, National Center for Biotechnology Information (NCBI)); PubMed 20932301 (cited by Women's Health and Genetics/Laboratory Corporation of America, LabCorp); PubMed 15744523 (cited by Women's Health and Genetics/Laboratory Corporation of America, LabCorp); PubMed 19166122 (cited by Women's Health and Genetics/Laboratory Corporation of America, LabCorp); PubMed 15084988 (cited by Women's Health and Genetics/Laboratory Corporation of America, LabCorp); PubMed 24697796 (cited by Women's Health and Genetics/Laboratory Corporation of America, LabCorp); PubMed 30420730 (cited by Women's Health and Genetics/Laboratory Corporation of America, LabCorp); PubMed 32777524 (cited by Women's Health and Genetics/Laboratory Corporation of America, LabCorp); PubMed 39773272 (cited by Women's Health and Genetics/Laboratory Corporation of America, LabCorp); PubMed 22504961 (cited by Counsyl); PubMed 26708955 (cited by Counsyl).